The following is an entry in ClinVar:

NM_001166108.2(PALLD):c.1820A>G (p.Glu607Gly)

Gene: PALLD (palladin, cytoskeletal associated protein; plus strand). Cytogenetic location: 4q32.3.
Variant type: single nucleotide variant.
Coding change: c.1820A>G on transcript NM_001166108.2 (MANE Select); coding-DNA position 1820, A replaced by G.
Protein change: p.Glu607Gly; replaces glutamic acid 607 with glycine.
Molecular consequence: missense variant.
Genome position (GRCh38, 1-based): chr4:168,711,779, A>G. VCF-style: chr4-168711779-A-G. GRCh37 (hg19) VCF-style: chr4-169632930-A-G.
Other names: c.674A>G, p.Glu225Gly (NM_001166109.2); c.1820A>G, p.Glu607Gly (NM_016081.4); short protein forms E607G, E225G.
Identifiers: ClinVar variation 2447393 (VCV002447393.2), dbSNP rs765018029, ClinGen allele CA3135730.

ClinVar aggregate classification (germline): Uncertain significance (1 of 4 stars; one submission).

Allele frequency attached by ClinVar (database versions not stated): gnomAD exomes 0.00001; ExAC 0.00004.
gnomAD v4.1: 6 of 1,614,190 alleles (0.00037%); highest among the groups gnomAD compares: Admixed American, 0.01%; no homozygotes.

Submission:

Ambry Genetics
Classification: Uncertain significance. Last evaluated: 2023-02-15. Review status: criteria provided, single submitter. Criteria: Ambry Variant Classification Scheme 2023. Collection method: clinical testing. Allele origin: germline.
Comment: The p.E607G variant (also known as c.1820A>G), located in coding exon 9 of the PALLD gene, results from an A to G substitution at nucleotide position 1820. The glutamic acid at codon 607 is replaced by glycine, an amino acid with similar properties. This amino acid position is conserved. In addition, this alteration is predicted to be tolerated by in silico analysis. Since supporting evidence is limited at this time, the clinical significance of this alteration remains unclear.